The following is an entry in ClinVar:

ClinVar aggregate classification (germline): Likely pathogenic. Review status: criteria provided, multiple submitters, no conflicts (2 of 4 stars). 3 submissions from 3 submitters: Likely pathogenic (3). Last evaluated 2025-09-10.

Conditions:
ABCA1-related disorder. Also called: ABCA1-related condition; ABCA1-related disorders. Identifiers: MedGen CN239173.
Neurofibromatosis, type 1 (NF1). Also called: VON RECKLINGHAUSEN DISEASE; NEUROFIBROMATOSIS, TYPE I, SOMATIC; Peripheral type neurofibromatosis; Neurofibromatosis, type I. Identifiers: Orphanet 636, MedGen C0027831, MONDO:0018975, OMIM 162200. Disease mechanism: loss of function.

Allele frequency attached by ClinVar (database versions not stated): TOPMed below 0.00001; gnomAD 0.00001.
gnomAD v4.1: 2 of 1,613,990 alleles (0.00012%); highest among the groups gnomAD compares: Non-Finnish European, 0.00017%; no homozygotes.

Submissions (3):

Genomic Medicine Center of Excellence, King Faisal Specialist Hospital and Research Centre
Classification: Likely pathogenic for Neurofibromatosis, type 1. Last evaluated: 2025-09-10. Review status: criteria provided, single submitter. Criteria: ACMG Guidelines, 2015. Collection method: clinical testing. Allele origin: germline.

Labcorp Genetics (formerly Invitae), Labcorp
Classification: Likely pathogenic. Last evaluated: 2023-09-22. Review status: criteria provided, single submitter. Criteria: Invitae Variant Classification Sherloc (09022015). Collection method: clinical testing. Allele origin: germline.
Comment: This sequence change affects a donor splice site in intron 30 of the ABCA1 gene. It is expected to disrupt RNA splicing. Variants that disrupt the donor or acceptor splice site typically lead to a loss of protein function (PMID: 16199547), and loss-of-function variants in ABCA1 are known to be pathogenic (PMID: 10525055, 10760292, 20880529). In summary, the currently available evidence indicates that the variant is pathogenic, but additional data are needed to prove that conclusively. Therefore, this variant has been classified as Likely Pathogenic. Algorithms developed to predict the effect of sequence changes on RNA splicing suggest that this variant may disrupt the consensus splice site. ClinVar contains an entry for this variant (Variation ID: 2136800). Disruption of this splice site has been observed in individual(s) with clinical features of Tangier disease (PMID: 22453657; Invitae). The frequency data for this variant in the population databases is considered unreliable, as metrics indicate poor data quality at this position in the gnomAD database.

Blueprint Genetics
Classification: Likely pathogenic for ABCA1-related disorders. Last evaluated: 2020-04-14. Review status: criteria provided, single submitter. Criteria: ACMG Guidelines, 2015. Collection method: clinical testing. Allele origin: germline. Affected: yes. Observed: 1 variant allele.

Literature cited by the submitters: PubMed 16199547 (cited by Labcorp Genetics (formerly Invitae), Labcorp); PubMed 10525055 (cited by Labcorp Genetics (formerly Invitae), Labcorp); PubMed 10760292 (cited by Labcorp Genetics (formerly Invitae), Labcorp); PubMed 20880529 (cited by Labcorp Genetics (formerly Invitae), Labcorp); PubMed 22453657 (cited by Labcorp Genetics (formerly Invitae), Labcorp).

NM_005502.4(ABCA1):c.4274+1G>A

Gene: ABCA1 (ATP binding cassette subfamily A member 1; minus strand). Cytogenetic location: 9q31.1.
Variant type: single nucleotide variant.
Coding change: c.4274+1G>A on transcript NM_005502.4 (MANE Select); the canonical splice donor site of the intron after coding-DNA position 4274, G replaced by A.
Molecular consequence: splice donor variant.
Genome position (GRCh38, 1-based): chr9:104,809,465, C>T on the plus strand (G>A on the coding strand, the complement: ABCA1 is on the minus strand). VCF-style: chr9-104809465-C-T. GRCh37 (hg19) VCF-style: chr9-107571746-C-T.
Identifiers: ClinVar variation 2136800 (VCV002136800.6), dbSNP rs1371879163, ClinGen allele CA374316205.